The following is an entry in ClinVar:

NM_001354483.2(CSGALNACT1):c.637A>G (p.Ile213Val)

Gene: CSGALNACT1 (chondroitin sulfate N-acetylgalactosaminyltransferase 1; minus strand). Cytogenetic location: 8p21.3.
Variant type: single nucleotide variant.
Coding change: c.637A>G on transcript NM_001354483.2 (MANE Select); coding-DNA position 637, A replaced by G.
Protein change: p.Ile213Val; replaces isoleucine 213 with valine.
Molecular consequence: missense variant. On other transcripts: non-coding transcript variant (7).
Genome position (GRCh38, 1-based): chr8:19,458,640, T>C on the plus strand (A>G on the coding strand, the complement: CSGALNACT1 is on the minus strand). VCF-style: chr8-19458640-T-C. GRCh37 (hg19) VCF-style: chr8-19316151-T-C.
Other names: c.637A>G, p.Ile213Val (NM_001354489.2, NM_001354490.2, NM_001354491.2 and 18 more transcripts); short protein forms I213V.
Identifiers: ClinVar variation 1933471 (VCV001933471.4), dbSNP rs770062518, ClinGen allele CA4654163.

ClinVar aggregate classification (germline): Uncertain significance (1 of 4 stars; one submission).

Allele frequency attached by ClinVar (database versions not stated): TOPMed 0.00002; ExAC 0.00004.
gnomAD v4.1: 24 of 1,613,944 alleles (0.0015%); highest among the groups gnomAD compares: Middle Eastern, 0.049%; no homozygotes.

Submission:

Labcorp Genetics (formerly Invitae), Labcorp
Classification: Uncertain significance. Last evaluated: 2022-05-22. Review status: criteria provided, single submitter. Criteria: Invitae Variant Classification Sherloc (09022015). Collection method: clinical testing. Allele origin: germline.
Comment: In summary, the available evidence is currently insufficient to determine the role of this variant in disease. Therefore, it has been classified as a Variant of Uncertain Significance. Algorithms developed to predict the effect of missense changes on protein structure and function are either unavailable or do not agree on the potential impact of this missense change (SIFT: "Tolerated"; PolyPhen-2: "Possibly Damaging"; Align-GVGD: "Class C15"). This variant has not been reported in the literature in individuals affected with CSGALNACT1-related conditions. This variant is present in population databases (rs770062518, gnomAD 0.01%). This sequence change replaces isoleucine, which is neutral and non-polar, with valine, which is neutral and non-polar, at codon 213 of the CSGALNACT1 protein (p.Ile213Val).